The following is an entry in ClinVar:

ClinVar aggregate classification (germline): Uncertain significance (1 of 4 stars; one submission).

gnomAD v4.1: 53 of 1,610,732 alleles (0.0033%); highest among the groups gnomAD compares: Non-Finnish European, 0.0043%; no homozygotes.

Submission:

Labcorp Genetics (formerly Invitae), Labcorp
Classification: Uncertain significance. Last evaluated: 2024-11-22. Review status: criteria provided, single submitter. Criteria: Invitae Variant Classification Sherloc (09022015). Collection method: clinical testing. Allele origin: germline.
Comment: This sequence change replaces arginine, which is basic and polar, with glutamine, which is neutral and polar, at codon 525 of the PMPCA protein (p.Arg525Gln). This variant is present in population databases (rs748306818, gnomAD 0.007%). This variant has not been reported in the literature in individuals affected with PMPCA-related conditions. An algorithm developed to predict the effect of missense changes on protein structure and function (PolyPhen-2) suggests that this variant is likely to be disruptive. In summary, the available evidence is currently insufficient to determine the role of this variant in disease. Therefore, it has been classified as a Variant of Uncertain Significance.

NM_015160.3(PMPCA):c.1574G>A (p.Arg525Gln)

Gene: PMPCA (peptidase, mitochondrial processing subunit alpha; plus strand). Cytogenetic location: 9q34.3.
Variant type: single nucleotide variant.
Coding change: c.1574G>A on transcript NM_015160.3 (MANE Select); coding-DNA position 1574, G replaced by A.
Protein change: p.Arg525Gln; replaces arginine 525 with glutamine.
Molecular consequence: missense variant.
Genome position (GRCh38, 1-based): chr9:136,423,260, G>A. VCF-style: chr9-136423260-G-A. GRCh37 (hg19) VCF-style: chr9-139317712-G-A.
Other names: c.1181G>A, p.Arg394Gln (NM_001282944.2); c.1274G>A, p.Arg425Gln (NM_001282946.2); short protein forms R394Q, R425Q, R525Q.
Identifiers: ClinVar variation 3607659 (VCV003607659.2).